The following is an entry in ClinVar:

NM_000038.6(APC):c.7074del (p.Ser2359fs)

Gene: APC (APC regulator of Wnt signaling pathway; plus strand). Cytogenetic location: 5q22.2.
Variant type: Deletion.
Coding change: c.7074del on transcript NM_000038.6 (MANE Select); coding-DNA position 7074, one base deleted (C; older notation c.7074delC).
Protein change: p.Ser2359fs; shifts the reading frame from serine 2359.
Molecular consequence: frameshift variant. On other transcripts: non-coding transcript variant (2).
Genome position (GRCh38, 1-based): chr5:112,842,668, C deleted; the last of 2 consecutive C bases (chr5:112,842,667-112,842,668); deleting either gives the same sequence. VCF-style (leftmost placement, unchanged base first): chr5-112842666-TC-T. GRCh37 (hg19) VCF-style: chr5-112178363-TC-T.
Other names: c.7128del, p.Ser2377fs (NM_001354896.2, NM_001407447.1, NM_001407448.1 and 1 more transcripts); c.7104del, p.Ser2369fs (NM_001354897.2); c.6951del, p.Ser2318fs (NM_001354900.2); c.6897del, p.Ser2300fs (NM_001354901.2, NM_001407453.1); c.6999del, p.Ser2334fs (NM_001354898.2); c.6990del, p.Ser2331fs (NM_001354899.2); c.6801del, p.Ser2268fs (NM_001354902.2); c.7074del, p.Ser2359fs (NM_001127510.3, NM_001354895.2, NM_001407450.1); and 11 more; short protein forms S1975fs, S2076fs, S2199fs, S2230fs, S2233fs, S2258fs, S2268fs, S2276fs.
Identifiers: ClinVar variation 2583298 (VCV002583298.1), dbSNP rs2533766321, ClinGen allele CA2582341618.
Genomic context (GRCh38, chr5:112,842,666, plus strand): 5'-CCTCCTAACAAATTATCTCAACTTCCAAGGACATCATCCCCTAGTACTGCTTCAACTAAG[TC>T]CTCAGGTTCTGGAAAAATGTCATATACATCTCCAGGTAGACAGATGAGCCAACAGAACCT-3'

ClinVar aggregate classification (germline): Pathogenic (1 of 4 stars; one submission).

Conditions:
Familial adenomatous polyposis 1 (FAP1). Also called: POLYPOSIS, ADENOMATOUS INTESTINAL; FAMILIAL ADENOMATOUS POLYPOSIS 1, ATTENUATED. Identifiers: MedGen C2713442, MONDO:0021056, OMIM 175100. Disease mechanism: loss of function.

Submission:

Myriad Genetics, Inc.
Classification: Pathogenic for Familial adenomatous polyposis 1. Last evaluated: 2023-05-16. Review status: criteria provided, single submitter. Criteria: Myriad Autosomal Dominant, Autosomal Recessive and X-Linked Classification Criteria (2023). Collection method: clinical testing. Allele origin: unknown.
Comment: This variant is considered pathogenic. This variant creates a frameshift predicted to result in premature protein truncation.